The following is an entry in ClinVar:

NM_015559.3(SETBP1):c.3882C>G (p.Asp1294Glu)

Gene: SETBP1 (SET binding protein 1; plus strand). Cytogenetic location: 18q12.3.
Variant type: single nucleotide variant.
Coding change: c.3882C>G on transcript NM_015559.3 (MANE Select); coding-DNA position 3882, C replaced by G.
Protein change: p.Asp1294Glu; replaces aspartic acid 1294 with glutamic acid.
Molecular consequence: missense variant.
Genome position (GRCh38, 1-based): chr18:44,953,222, C>G. VCF-style: chr18-44953222-C-G. GRCh37 (hg19) VCF-style: chr18-42533187-C-G.
Other names: c.3882C>G, p.Asp1294Glu (NM_001379141.1, NM_001379142.1, NM_001410862.1); short protein forms D1294E.
Identifiers: ClinVar variation 4991184 (VCV004991184.1).

ClinVar aggregate classification (germline): Uncertain significance (1 of 4 stars; one submission).

Conditions:
SETBP1-related disorder. Also called: SETBP1-related condition; SETBP1-related disorders.

Submission:

PreventionGenetics, part of Exact Sciences
Classification: Uncertain significance for SETBP1-related condition. Last evaluated: 2026-04-09. Review status: criteria provided, single submitter. Criteria: ACMG Guidelines, 2015. Collection method: clinical testing. Allele origin: germline.
Comment: The SETBP1 c.3882C>G variant is predicted to result in the amino acid substitution p.Asp1294Glu. To our knowledge, this variant has not been reported in the literature or in a large population database (gnomAD), indicating this variant is rare. At this time, the clinical significance of this variant is uncertain due to the absence of conclusive functional and genetic evidence.